The following is an entry in ClinVar:

NM_001130987.2(DYSF):c.1914C>G (p.Tyr638Ter)

Gene: DYSF (dysferlin; plus strand). Cytogenetic location: 2p13.2.
Variant type: single nucleotide variant.
Coding change: c.1914C>G on transcript NM_001130987.2 (MANE Select); coding-DNA position 1914, C replaced by G.
Protein change: p.Tyr638Ter; replaces tyrosine 638 with a stop codon.
Molecular consequence: nonsense.
Genome position (GRCh38, 1-based): chr2:71,553,118, C>G. VCF-style: chr2-71553118-C-G. GRCh37 (hg19) VCF-style: chr2-71780248-C-G.
Other names: c.1863C>G, p.Tyr621Ter (NM_001130455.2, NM_001130983.2); c.1818C>G, p.Tyr606Ter (NM_001130976.2, NM_001130977.2); c.1860C>G, p.Tyr620Ter (NM_001130978.2, NM_003494.4); c.1953C>G, p.Tyr651Ter (NM_001130979.2); c.1911C>G, p.Tyr637Ter (NM_001130980.2, NM_001130981.2); c.1956C>G, p.Tyr652Ter (NM_001130982.2); c.1821C>G, p.Tyr607Ter (NM_001130984.2, NM_001130986.2); c.1914C>G, p.Tyr638Ter (NM_001130985.2); short protein forms Y606*, Y607*, Y620*, Y621*, Y637*, Y638*, Y651*, Y652*.
Identifiers: ClinVar variation 3241383 (VCV003241383.2), dbSNP rs35721373.

ClinVar aggregate classification (germline): Pathogenic/Likely pathogenic. Review status: criteria provided, multiple submitters, no conflicts (2 of 4 stars). 2 submissions from 2 submitters: Pathogenic (1); Likely pathogenic (1). Last evaluated 2025-09-20.

Conditions:
Autosomal recessive limb-girdle muscular dystrophy. Identifiers: Orphanet 102015, MedGen C2931907, MONDO:0015152.
Miyoshi muscular dystrophy 1 (MMD1). Identifiers: Orphanet 45448, MedGen C4551973, MONDO:0024545, OMIM 254130.

Submissions (2):

Myriad Genetics, Inc.
Classification: Pathogenic for Autosomal recessive limb-girdle muscular dystrophy. Last evaluated: 2025-09-20. Review status: criteria provided, single submitter. Criteria: Myriad Autosomal Dominant, Autosomal Recessive and X-Linked Classification Criteria (2023). Collection method: clinical testing. Allele origin: unknown.
Comment: NM_003494.3(DYSF):c.1860C>G(Y620*) is expected to be pathogenic in the context of dysferlinopathy. This variant is predicted to lead to an abnormal or absent protein product due to the creation of a premature termination codon in DYSF, a gene where loss-of-function variants are known to be pathogenic. Please note: this variant was assessed in the context of healthy population screening.

Baylor Genetics
Classification: Likely pathogenic for Miyoshi muscular dystrophy 1. Last evaluated: 2023-11-12. Review status: criteria provided, single submitter. Criteria: ACMG Guidelines, 2015. Collection method: clinical testing. Allele origin: unknown.